The following is an entry in ClinVar:

ClinVar aggregate classification (germline): Uncertain significance (1 of 4 stars; one submission).

Submission:

GeneDx
Classification: Uncertain significance. Last evaluated: 2019-06-14. Review status: criteria provided, single submitter. Criteria: GeneDx Variant Classification Process June 2021. Collection method: clinical testing. Allele origin: germline. Affected: yes.
Comment: Not observed in large population cohorts (Lek et al., 2016); In silico analysis, which includes protein predictors and evolutionary conservation, supports a deleterious effect; Has not been previously published as pathogenic or benign to our knowledge

NM_005573.4(LMNB1):c.1399G>A (p.Gly467Arg)

Gene: LMNB1 (lamin B1; plus strand). Cytogenetic location: 5q23.2.
Variant type: single nucleotide variant.
Coding change: c.1399G>A on transcript NM_005573.4 (MANE Select); coding-DNA position 1399, G replaced by A.
Protein change: p.Gly467Arg; replaces glycine 467 with arginine.
Molecular consequence: missense variant. On other transcripts: non-coding transcript variant (1).
Genome position (GRCh38, 1-based): chr5:126,822,793, G>A. VCF-style: chr5-126822793-G-A. GRCh37 (hg19) VCF-style: chr5-126158485-G-A.
Other names: c.769G>A, p.Gly257Arg (NM_001198557.2); short protein forms G257R, G467R.
Identifiers: ClinVar variation 1306577 (VCV001306577.2), dbSNP rs2126731061, ClinGen allele CA360728279.